The following is an entry in ClinVar:

ClinVar aggregate classification (germline): Uncertain significance (1 of 4 stars; one submission).

Conditions:
Inborn genetic diseases. Identifiers: MedGen C0950123, MeSH D030342.

gnomAD v4.1: 3 of 1,613,630 alleles (0.00019%); highest among the groups gnomAD compares: African/African-American, 0.004%; no homozygotes.

Submission:

Ambry Genetics
Classification: Uncertain significance for Inborn genetic diseases. Last evaluated: 2025-06-16. Review status: criteria provided, single submitter. Criteria: Ambry Variant Classification Scheme 2023. Collection method: clinical testing. Allele origin: germline.
Comment: The p.S101T variant (also known as c.301T>A), located in coding exon 2 of the ERCC6L2 gene, results from a T to A substitution at nucleotide position 301. The serine at codon 101 is replaced by threonine, an amino acid with similar properties. This amino acid position is conserved. In addition, this alteration is predicted to be tolerated by in silico analysis. Based on the available evidence, the clinical significance of this variant remains unclear.

NM_020207.7(ERCC6L2):c.301T>A (p.Ser101Thr)

Gene: ERCC6L2 (ERCC excision repair 6 like 2; plus strand). Cytogenetic location: 9q22.32.
Variant type: single nucleotide variant.
Coding change: c.301T>A on transcript NM_020207.7 (MANE Select); coding-DNA position 301, T replaced by A.
Protein change: p.Ser101Thr; replaces serine 101 with threonine.
Molecular consequence: missense variant. On other transcripts: non-coding transcript variant (1).
Genome position (GRCh38, 1-based): chr9:95,881,123, T>A. VCF-style: chr9-95881123-T-A. GRCh37 (hg19) VCF-style: chr9-98643405-T-A.
Other names: c.301T>A, p.Ser101Thr (NM_001010895.4, NM_001375291.1, NM_001375292.1 and 2 more transcripts); short protein forms S101T.
Identifiers: ClinVar variation 4250543 (VCV004250543.1).
Genomic context (GRCh38, chr9:95,881,123, plus strand): 5'-AATCTTATATTTGATGATGAAGATTTAGAAAAACCTTATTTCCCAAACCGAAAATTTCCA[T>A]CATCTTCTGTTGCTTTTAAATTATCTGACAATGGAGACTCTATTCCTTATACCATCAATA-3'
Protein context (NP_064592.3, residues 91-111): KPYFPNRKFP[Ser101Thr]SSVAFKLSDN